The following is an entry in ClinVar:

ClinVar aggregate classification (germline): Pathogenic (1 of 4 stars; one submission).

Submission:

Labcorp Genetics (formerly Invitae), Labcorp
Classification: Pathogenic. Last evaluated: 2023-09-11. Review status: criteria provided, single submitter. Criteria: Invitae Variant Classification Sherloc (09022015). Collection method: clinical testing. Allele origin: germline.
Comment: For these reasons, this variant has been classified as Pathogenic. This variant has not been reported in the literature in individuals affected with C6-related conditions. This variant is present in population databases (rs772825212, gnomAD 0.0009%). This sequence change creates a premature translational stop signal (p.Phe299Serfs*21) in the C6 gene. It is expected to result in an absent or disrupted protein product. Loss-of-function variants in C6 are known to be pathogenic (PMID: 17257682).

Literature cited by the submitters: PubMed 17257682.

NM_000065.5(C6):c.894del (p.Phe299fs)

Gene: C6 (complement C6; minus strand). Cytogenetic location: 5p13.1.
Variant type: Deletion.
Coding change: c.894del on transcript NM_000065.5 (MANE Select); coding-DNA position 894, one base deleted (C; older notation c.894delC).
Protein change: p.Phe299fs; shifts the reading frame from phenylalanine 299.
Molecular consequence: frameshift variant.
Genome position (GRCh38, 1-based): chr5:41,181,392, G deleted on the plus strand (C on the coding strand, the reverse complement: C6 is on the minus strand); the first of 2 consecutive G bases (chr5:41,181,392-41,181,393); deleting either gives the same sequence. VCF-style (leftmost placement, unchanged base first): chr5-41181391-AG-A. GRCh37 (hg19) VCF-style: chr5-41181493-AG-A.
Other names: c.894del, p.Phe299fs (NM_001115131.4); short protein forms F299fs.
Identifiers: ClinVar variation 2760122 (VCV002760122.3), dbSNP rs772825212, ClinGen allele CA3252633.
Genomic context (GRCh38, chr5:41,181,391, plus strand): 5'-ATAAAAGGTTGGAAACCATTTTTGATACCTTTTTGTGAGAGGCTTGAATGGCTTGTTTGA[AG>A]GCAGAATTATGGTTGATATTTTCACTTCTCTTTGAGGAATAAAAAATTGGTACACTGAAA-3'